The following is an entry in ClinVar:

NM_001005242.3(PKP2):c.1167G>T (p.Lys389Asn)

Gene: PKP2 (plakophilin 2; minus strand). Cytogenetic location: 12p11.21.
Variant type: single nucleotide variant.
Coding change: c.1167G>T on transcript NM_001005242.3 (MANE Select); coding-DNA position 1167, G replaced by T.
Protein change: p.Lys389Asn; replaces lysine 389 with asparagine.
Molecular consequence: missense variant.
Genome position (GRCh38, 1-based): chr12:32,868,930, C>A on the plus strand (G>T on the coding strand, the complement: PKP2 is on the minus strand). VCF-style: chr12-32868930-C-A. GRCh37 (hg19) VCF-style: chr12-33021864-C-A.
Other names: c.1167G>T, p.Lys389Asn (NM_001407155.1, NM_001407156.1, NM_001407157.1 and 2 more transcripts); c.840G>T, p.Lys280Asn (NM_001407158.1, NM_001407159.1, NM_001407160.1 and 1 more transcripts); short protein forms K280N, K389N.
Identifiers: ClinVar variation 3069383 (VCV003069383.1), dbSNP rs751778207, ClinGen allele CA384358938.

ClinVar aggregate classification (germline): Uncertain significance (1 of 4 stars; one submission).

Conditions:
Arrhythmogenic right ventricular cardiomyopathy (ARVD). Also called: Arrhythmogenic right ventricular dysplasia; Cardiomyopathy, ARVC; Arrhythmogenic cardiomyopathy; Arrhythmogenic Right Ventricular Cardiomyopathy (ARVC). Identifiers: Orphanet 247, MedGen C0349788, MeSH D019571, MONDO:0016587. Disease mechanism: loss of function. Inheritance: Various modes of inheritance.

Submission:

All of Us Research Program, National Institutes of Health
Classification: Uncertain significance for Arrhythmogenic right ventricular cardiomyopathy. Last evaluated: 2023-02-15. Review status: criteria provided, single submitter. Criteria: ACMG Guidelines, 2015. Collection method: clinical testing. Allele origin: germline. Inheritance: Autosomal dominant inheritance. Observed: 1 variant allele, 1 heterozygote.
Comment: This missense variant replaces lysine with asparagine at codon 389 of the PKP2 protein. Computational prediction suggests that this variant may not impact protein structure and function (internally defined REVEL score threshold <= 0.5, PMID: 27666373). To our knowledge, functional studies have not been reported for this variant. This variant has not been reported in individuals affected with cardiovascular disorders in the literature. This variant has not been identified in the general population by the Genome Aggregation Database (gnomAD). The available evidence is insufficient to determine the role of this variant in disease conclusively. Therefore, this variant is classified as a Variant of Uncertain Significance.

This study involves interpretation of variants in research participants for the purpose of population health screening. Participant phenotype was not available at the time of variant classification. Additional details can be found in publication PMID: 35346344, PMCID: PMC8962531